The following is an entry in ClinVar:

NM_032444.4(SLX4):c.4946C>T (p.Thr1649Ile)

Gene: SLX4 (SLX4 structure-specific endonuclease subunit; minus strand). Cytogenetic location: 16p13.3.
Variant type: single nucleotide variant.
Coding change: c.4946C>T on transcript NM_032444.4 (MANE Select); coding-DNA position 4946, C replaced by T.
Protein change: p.Thr1649Ile; replaces threonine 1649 with isoleucine.
Molecular consequence: missense variant.
Genome position (GRCh38, 1-based): chr16:3,583,304, G>A on the plus strand (C>T on the coding strand, the complement: SLX4 is on the minus strand). VCF-style: chr16-3583304-G-A. GRCh37 (hg19) VCF-style: chr16-3633305-G-A.
Other names: short protein forms T1649I.
Identifiers: ClinVar variation 1517139 (VCV001517139.6), dbSNP rs2040464427, ClinGen allele CA394515054.
Genomic context (GRCh38, chr16:3,583,304, plus strand): 5'-CTTTGATGTCGGGGGCCCTTGGTCTTAGCAGGTCCCTTGGGCCTATGGGCCCCAGGTCCT[G>A]TGGTGGCCTCCTGCTGGGCATGGACCCCTGCCCTTGAAGGCTTGTAGGTCTGGGAGGCGA-3'
Protein context (NP_115820.2, residues 1639-1659): AGVHAQQEAT[Thr1649Ile]GPGAHRPKGP

ClinVar aggregate classification (germline): Uncertain significance (1 of 4 stars; one submission).

Conditions:
Fanconi anemia (FA). Also called: Fanconi's anemia. Identifiers: Orphanet 84, MedGen C0015625, MeSH D005199, MONDO:0019391.

Submission:

Labcorp Genetics (formerly Invitae), Labcorp
Classification: Uncertain significance for Fanconi anemia. Last evaluated: 2021-08-12. Review status: criteria provided, single submitter. Criteria: Invitae Variant Classification Sherloc (09022015). Collection method: clinical testing. Allele origin: germline.
Comment: In summary, the available evidence is currently insufficient to determine the role of this variant in disease. Therefore, it has been classified as a Variant of Uncertain Significance. Algorithms developed to predict the effect of missense changes on protein structure and function (SIFT, PolyPhen-2, Align-GVGD) all suggest that this variant is likely to be tolerated. This variant has not been reported in the literature in individuals affected with SLX4-related conditions. This variant is not present in population databases (ExAC no frequency). This sequence change replaces threonine with isoleucine at codon 1649 of the SLX4 protein (p.Thr1649Ile). The threonine residue is weakly conserved and there is a moderate physicochemical difference between threonine and isoleucine.